The following is an entry in ClinVar:

ClinVar aggregate classification (germline): Conflicting classifications of pathogenicity. Review status: criteria provided, conflicting classifications (1 of 4 stars). 22 submissions from 22 submitters: Uncertain significance (3); Benign (6); Likely benign (9). 4 of the submissions do not count toward it. Last evaluated 2026-08-01.

Conditions:
Breast-ovarian cancer, familial, susceptibility to, 5 (BROVCA5). Identifiers: MedGen C5830615, MONDO:0957530, OMIM 620442.
Hereditary cancer-predisposing syndrome. Also called: Neoplastic Syndromes, Hereditary; Hereditary Cancer Syndrome; Tumor predisposition; Hereditary neoplastic syndrome. Identifiers: Orphanet 140162, MedGen C0027672, MeSH D009386, MONDO:0015356.
Familial cancer of breast. Also called: hereditary breast carcinoma; BREAST CANCER, FAMILIAL; Hereditary breast cancer. Identifiers: Orphanet 227535, MedGen C0346153, MONDO:0016419, OMIM 114480. Disease mechanism: loss of function.
Fanconi anemia complementation group N. Also called: PALB2-Related Fanconi Anemia. Identifiers: Orphanet 84, MedGen C1835817, MONDO:0012565, OMIM 610832. Disease mechanism: loss of function.

Allele frequency attached by ClinVar (database versions not stated): gnomAD exomes 0.00007 and 0.00020; ExAC 0.00023; 1000 Genomes Project 0.00040; 1000 Genomes Project 30x 0.00047; gnomAD 0.00056 and 0.00058; TOPMed 0.00067; ESP Exome Variant Server 0.00077.
gnomAD v4.1: 211 of 1,613,758 alleles (0.013%); highest among the groups gnomAD compares: African/African-American, 0.18%; 2 homozygotes.

Submissions (22):

CeGaT Center for Human Genetics Tuebingen
Classification: Likely benign. Last evaluated: 2026-08-01. Review status: criteria provided, single submitter. Criteria: CeGaT Center For Human Genetics Tuebingen Variant Classification Criteria Version 2. Collection method: clinical testing. Allele origin: germline. Affected: yes. Observed: 7 variant alleles.
Comment: PALB2: BP4

Labcorp Genetics (formerly Invitae), Labcorp
Classification: Benign for Familial cancer of breast. Last evaluated: 2026-02-04. Review status: criteria provided, single submitter. Criteria: Invitae Variant Classification Sherloc (09022015). Collection method: clinical testing. Allele origin: germline.

Mayo Clinic Laboratories, Mayo Clinic
Classification: Benign. Last evaluated: 2025-03-25. Review status: criteria provided, single submitter. Criteria: ACMG Guidelines, 2015. Collection method: clinical testing. Allele origin: germline. Observed: 1 variant allele.
Comment: BA1

Center for Genomic Medicine, Rigshospitalet, Copenhagen University Hospital
Classification: Benign. Last evaluated: 2025-03-04. Review status: criteria provided, single submitter. Criteria: ACMG Guidelines, 2015. Collection method: clinical testing. Allele origin: germline.
Comment: Classification criteria: BA1, BP1

Myriad Genetics, Inc.
Classification: Benign for Familial cancer of breast. Last evaluated: 2025-01-17. Review status: criteria provided, single submitter. Criteria: Myriad Autosomal Dominant, Autosomal Recessive and X-Linked Classification Criteria (2023). Collection method: clinical testing. Allele origin: unknown.
Comment: This variant is considered benign. This variant is strongly associated with less severe personal and family histories of cancer, typical for individuals without pathogenic variants in this gene [PMID: 25085752]. This variant has been observed in trans with a known pathogenic variant in one or more individuals lacking clinical features consistent with gene-specific recessive disease.

Hereditary Cancer Laboratory, Hospital Universitario 12 de Octubre
Classification: Likely benign for Hereditary cancer-predisposing syndrome. Last evaluated: 2024-09-10. Review status: criteria provided, single submitter. Criteria: ACMG Guidelines, 2015. Collection method: clinical testing. Allele origin: germline.
Comment: BS1 + BP4

Institute for Biomarker Research, Medical Diagnostic Laboratories, L.L.C.
Classification: Benign for Hereditary cancer-predisposing syndrome. Last evaluated: 2023-11-14. Review status: criteria provided, single submitter. Criteria: ACMG Guidelines, 2015. Collection method: clinical testing. Allele origin: germline.

Quest Diagnostics Nichols Institute San Juan Capistrano
Classification: Likely benign. Last evaluated: 2022-10-07. Review status: criteria provided, single submitter. Criteria: Quest Diagnostics criteria. Collection method: clinical testing. Allele origin: unknown.

Department of Pathology and Laboratory Medicine, Sinai Health System
Classification: Likely benign for Breast-ovarian cancer, familial, susceptibility to, 5. Last evaluated: 2022-04-19. Review status: criteria provided, single submitter. Criteria: ACMG Guidelines, 2015. Collection method: clinical testing. Allele origin: germline. Affected: yes.

Institute for Clinical Genetics, University Hospital TU Dresden, University Hospital TU Dresden
Classification: Uncertain significance. Last evaluated: 2021-11-03. Review status: criteria provided, single submitter. Criteria: ACMG Guidelines, 2015. Collection method: clinical testing. Allele origin: germline.

GeneDx
Classification: Likely benign. Last evaluated: 2021-09-20. Review status: criteria provided, single submitter. Criteria: GeneDx Variant Classification Process June 2021. Collection method: clinical testing. Allele origin: germline. Affected: yes.
Comment: This variant is associated with the following publications: (PMID: 28779002, 23824750, 24728327, 23555315, 21932393)

ARUP Laboratories, Molecular Genetics and Genomics, ARUP Laboratories
Classification: Likely benign. Last evaluated: 2021-08-26. Review status: criteria provided, single submitter. Criteria: ARUP Molecular Germline Variant Investigation Process 2021. Collection method: clinical testing. Allele origin: germline.

Sema4
Classification: Likely benign for Hereditary cancer-predisposing syndrome. Last evaluated: 2021-01-11. Review status: criteria provided, single submitter. Criteria: Sema4 Curation Guidelines. Collection method: curation. Allele origin: germline.

Women's Health and Genetics/Laboratory Corporation of America, LabCorp
Classification: Likely benign. Last evaluated: 2020-08-07. Review status: criteria provided, single submitter. Criteria: LabCorp Variant Classification Summary - May 2015. Collection method: clinical testing. Allele origin: germline.
Comment: Variant summary: PALB2 c.2851T>C (p.Ser951Pro) results in a non-conservative amino acid change located in the WD40 domain (IPR031920) of the encoded protein sequence. Four of five in-silico tools predict a benign effect of the variant on protein function. The variant allele was found at a frequency of 0.00023 in 283200 control chromosomes, predominantly at a frequency of 0.0018 within the African or African-American subpopulation in the gnomAD database. The observed variant frequency within African or African-American control individuals in the gnomAD database is approximately 12 fold of the estimated maximal expected allele frequency for a pathogenic variant in PALB2 causing Hereditary Breast And Ovarian Cancer Syndrome phenotype (0.00016), strongly suggesting that the variant is a benign polymorphism found primarily in populations of African or African-American origin. . In addition, the variant was reported in 8/2559 African American women (i.e. with a frequency of 0.0031), who were older than 70 years of age, and never had cancer (in the FLOSSIES database). c.2851T>C has been reported in the literature in individuals affected with Breast Cancer, however, it was also found in controls (Zheng_2012, Haiman_2013, Wong-Brown_2014, Bodian_2014). These reports do not provide unequivocal conclusions about association of the variant with Hereditary Breast And Ovarian Cancer Syndrome. To our knowledge, no experimental evidence demonstrating an impact on protein function has been reported. Nine ClinVar submitters (evaluation after 2014) cite the variant as uncertain significance (2x), likely benign (5x) and benign (2x). Based on the evidence outlined above, the variant was classified as likely benign.

Eurofins Ntd Llc (ga)
Classification: Uncertain significance. Last evaluated: 2018-04-10. Review status: criteria provided, single submitter. Criteria: EGL ClinVar v180209 classification definitions. Collection method: clinical testing. Allele origin: germline. Observed: 1 variant allele, 1 heterozygote.

Illumina Laboratory Services, Illumina
Classification: Uncertain significance for Fanconi anemia complementation group N. Last evaluated: 2018-01-13. Review status: criteria provided, single submitter. Criteria: ICSL Variant Classification Criteria 13 December 2019. Collection method: clinical testing. Allele origin: germline.

Ambry Genetics
Classification: Benign for Hereditary cancer-predisposing syndrome. Last evaluated: 2016-03-14. Review status: criteria provided, single submitter. Criteria: Ambry Variant Classification Scheme 2023. Collection method: clinical testing. Allele origin: germline.

Color Diagnostics, LLC DBA Color Health
Classification: Likely benign for Hereditary cancer-predisposing syndrome. Last evaluated: 2015-01-02. Review status: criteria provided, single submitter. Criteria: ACMG Guidelines, 2015. Collection method: clinical testing. Allele origin: germline.

Leiden Open Variation Database
Classification: Likely benign for Familial cancer of breast. Last evaluated: 2019-05-13. Review status: no assertion criteria provided. Collection method: curation. Allele origin: germline. Affected: yes. Not counted in ClinVar's aggregate classification.
Comment: Curators: Marc Tischkowitz, Arleen D. Auerbach. Submitter to LOVD: Marc Tischkowitz.

ITMI
No classification provided. Condition: AllHighlyPenetrant. Last evaluated: 2013-09-19. Review status: no classification provided. Collection method: reference population. Allele origin: germline. Not counted in ClinVar's aggregate classification.
Comment: Please see associated publication for description of ethnicities

Diagnostic Laboratory, Department of Genetics, University Medical Center Groningen
Classification: Likely benign. Review status: no assertion criteria provided. Collection method: clinical testing. Allele origin: germline. Affected: yes. Study: VKGL Data-share Consensus. Not counted in ClinVar's aggregate classification.

Joint Genome Diagnostic Labs from Nijmegen and Maastricht, Radboudumc and MUMC+
Classification: Likely benign. Review status: no assertion criteria provided. Collection method: clinical testing. Allele origin: germline. Affected: yes. Study: VKGL Data-share Consensus. Not counted in ClinVar's aggregate classification.

Literature cited by the submitters: PubMed 21932393 (cited by 5 submitters); PubMed 23824750 (cited by 5 submitters); PubMed 25085752 (cited by Myriad Genetics, Inc.); PubMed 24728327 (cited by 4 submitters); PubMed 23555315 (cited by Quest Diagnostics Nichols Institute San Juan Capistrano and Women's Health and Genetics/Laboratory Corporation of America, LabCorp); PubMed 31206626 (cited by Quest Diagnostics Nichols Institute San Juan Capistrano).

NM_024675.4(PALB2):c.2851T>C (p.Ser951Pro)

Gene: PALB2 (partner and localizer of BRCA2; minus strand). Cytogenetic location: 16p12.2.
Variant type: single nucleotide variant.
Coding change: c.2851T>C on transcript NM_024675.4 (MANE Select); coding-DNA position 2851, T replaced by C.
Protein change: p.Ser951Pro; replaces serine 951 with proline.
Molecular consequence: missense variant.
Genome position (GRCh38, 1-based): chr16:23,623,114, A>G on the plus strand (T>C on the coding strand, the complement: PALB2 is on the minus strand). VCF-style: chr16-23623114-A-G. GRCh37 (hg19) VCF-style: chr16-23634435-A-G.
Other names: p.S951P:TCT>CCT; short protein forms S951P.
Identifiers: ClinVar variation 126691 (VCV000126691.73), dbSNP rs149522412, ClinGen allele CA161355.
Genomic context (GRCh38, chr16:23,623,114, plus strand): 5'-CAAGCACAGCTTTTATATTTCCAGACTTCAGTAGTACTTGCTTTTCACTTTCATCATCAG[A>G]GGAACAAAACAATGCCCTAAGCCAAATATAAGGAAAAATGGGGTGATGTGAGGAGTAACC-3'
Protein context (NP_078951.2, residues 941-961): IREIRALFCS[Ser951Pro]DDESEKQVLL